The following is an entry in ClinVar:

ClinVar aggregate classification (germline): Likely pathogenic (1 of 4 stars; one submission).

Conditions:
Guillouet-Gordon syndrome. Identifiers: MedGen C6012729, MONDO:0979227, OMIM 621220.

gnomAD v4.1: 3 of 1,592,754 alleles (0.00019%); highest among the groups gnomAD compares: Non-Finnish European, 0.00026%; no homozygotes.

Submission:

3billion
Classification: Likely pathogenic for Guillouet-Gordon syndrome. Last evaluated: 2025-10-31. Review status: criteria provided, single submitter. Criteria: ACMG Guidelines, 2015. Collection method: clinical testing. Allele origin: germline. Affected: yes.
Comment: The variant is observed at an extremely low frequency in the gnomAD v4.1.0 dataset (total allele frequency: <0.001%). Predicted Consequence/Location: Canonical splice site: predicted to alter splicing and result in a loss or disruption of normal protein function. Multiple pathogenic loss-of-function variants are reported downstream of the variant. In silico tools predict the variant to alter splicing and produce an abnormal transcript [SpliceAI: 1.00 (spliceogenicity >=0.2, non-spliceogenicity <0.1)]. Therefore, this variant is classified as Likely pathogenic according to the recommendation of ACMG/AMP guideline.

NM_005481.3(MED16):c.880-2A>G

Gene: MED16 (mediator complex subunit 16; minus strand). Cytogenetic location: 19p13.3.
Variant type: single nucleotide variant.
Coding change: c.880-2A>G on transcript NM_005481.3 (MANE Select); the canonical splice acceptor site of the intron before coding-DNA position 880, A replaced by G.
Molecular consequence: splice acceptor variant.
Genome position (GRCh38, 1-based): chr19:885,010, T>C on the plus strand (A>G on the coding strand, the complement: MED16 is on the minus strand). VCF-style: chr19-885010-T-C. GRCh37 (hg19) VCF-style: chr19-885010-T-C.
Identifiers: ClinVar variation 4854292 (VCV004854292.1).
Genomic context (GRCh38, chr19:885,010, plus strand): 5'-TTGCGCAGGGACCAGCACTCCACGATGCTGCTGGTCTGGCTGGACGCGCACAAAAGCACC[T>C]GCGGGGGAGGTGGGGGTGAGGGCTGACCCGGCACTGCTGTGGTGGCCACGCCACCACCGG-3'